The following is an entry in ClinVar:

NM_014324.6(AMACR):c.577_586del (p.Ser193fs)

Genes: AMACR (alpha-methylacyl-CoA racemase; minus strand), C1QTNF3-AMACR (C1QTNF3-AMACR readthrough (NMD candidate); minus strand). Cytogenetic location: 5p13.2.
Variant type: Deletion.
Coding change: c.577_586del on transcript NM_014324.6 (MANE Select); coding-DNA positions 577 to 586, 10 bases deleted (TCTTTTCTGT; older notation c.577_586delTCTTTTCTGT).
Protein change: p.Ser193fs; shifts the reading frame from serine 193.
Molecular consequence: frameshift variant. On other transcripts: non-coding transcript variant (1).
Genome position (GRCh38, 1-based): chr5:33,998,794-33,998,803, ACAGAAAAGA deleted on the plus strand (TCTTTTCTGT on the coding strand, the reverse complement: AMACR is on the minus strand); deleting any 10 consecutive bases within chr5:33,998,794-33,998,805 gives the same sequence; the c. name uses the placement nearest the transcript's 3' end. VCF-style (leftmost placement, unchanged base first): chr5-33998793-CACAGAAAAGA-C. GRCh37 (hg19) VCF-style: chr5-33998898-CACAGAAAAGA-C.
Other names: c.577_586del, p.Ser193fs (NM_001167595.2); c.416_425del, p.Phe139fs (NM_203382.3); short protein forms F139fs, S193fs.
Identifiers: ClinVar variation 5038189 (VCV005038189.1).

ClinVar aggregate classification (germline): Likely pathogenic (1 of 4 stars; one submission).

Conditions:
Alpha-methylacyl-CoA racemase deficiency (AMACRD). Also called: AMACR deficiency. Identifiers: Orphanet 79095, MedGen C3280428, MONDO:0013681, OMIM 614307. Disease mechanism: loss of function.

Submission:

MVZ Medizinische Genetik Mainz
Classification: Likely pathogenic for Alpha-methylacyl-CoA racemase deficiency. Last evaluated: 2026-04-22. Review status: criteria provided, single submitter. Criteria: UK Practice Guidelines For Variant Classification V4 01 2020. Collection method: clinical testing. Allele origin: germline. Inheritance: Autosomal recessive inheritance. Affected: yes. Observed: 1 variant allele.
Comment: ACMG Criteria: PVS1,PM2_SUP